The following is an entry in ClinVar:

ClinVar aggregate classification (germline): Likely benign. Review status: criteria provided, multiple submitters, no conflicts (2 of 4 stars). 2 submissions from 2 submitters: Likely benign (2). Last evaluated 2025-12-10.

Conditions:
Fanconi anemia (FA). Also called: Fanconi's anemia. Identifiers: Orphanet 84, MedGen C0015625, MeSH D005199, MONDO:0019391.
FANCI-related disorder. Also called: FANCI-related condition.

Allele frequency attached by ClinVar (database versions not stated): TOPMed below 0.00001.
gnomAD v4.1: 3 of 1,613,996 alleles (0.00019%); highest among the groups gnomAD compares: Admixed American, 0.005%; no homozygotes.

Submissions (2):

PreventionGenetics, part of Exact Sciences
Classification: Likely benign for FANCI-related condition. Last evaluated: 2025-12-10. Review status: criteria provided, single submitter. Criteria: ACMG Guidelines, 2015. Collection method: clinical testing. Allele origin: germline.
Comment: This variant is classified as likely benign based on ACMG/AMP sequence variant interpretation guidelines (Richards et al. 2015 PMID: 25741868, with internal and published modifications).

Labcorp Genetics (formerly Invitae), Labcorp
Classification: Likely benign for Fanconi anemia. Last evaluated: 2024-01-28. Review status: criteria provided, single submitter. Criteria: Invitae Variant Classification Sherloc (09022015). Collection method: clinical testing. Allele origin: germline.

NM_001113378.2(FANCI):c.609C>A (p.Ser203=)

Gene: FANCI (FA complementation group I; plus strand). Cytogenetic location: 15q26.1.
Variant type: single nucleotide variant.
Coding change: c.609C>A on transcript NM_001113378.2 (MANE Select); coding-DNA position 609, C replaced by A.
Protein change: p.Ser203=; no amino-acid change (serine 203 retained).
Molecular consequence: synonymous variant.
Genome position (GRCh38, 1-based): chr15:89,263,966, C>A. VCF-style: chr15-89263966-C-A. GRCh37 (hg19) VCF-style: chr15-89807197-C-A.
Other names: c.330C>A, p.Ser110= (NM_001376910.1); c.609C>A, p.Ser203= (NM_001376911.1, NM_018193.3).
Identifiers: ClinVar variation 2847719 (VCV002847719.4), dbSNP rs762005980, ClinGen allele CA492065259.